The following is an entry in ClinVar:

NM_001715.3(BLK):c.879C>T (p.His293=)

Genes: BLK (BLK proto-oncogene, Src family tyrosine kinase), BLK-AS1 (BLK antisense RNA 1). Cytogenetic location: 8p23.1.
Variant type: single nucleotide variant.
Coding change: c.879C>T on transcript NM_001715.3 (MANE Select); coding-DNA position 879, C replaced by T.
Protein change: p.His293=; no amino-acid change (histidine 293 retained).
Molecular consequence: synonymous variant.
Genome position (GRCh38, 1-based): chr8:11,556,764, C>T. VCF-style: chr8-11556764-C-T. GRCh37 (hg19) VCF-style: chr8-11414273-C-T.
Other names: c.666C>T, p.His222= (NM_001330465.2).
Identifiers: ClinVar variation 361487 (VCV000361487.40), dbSNP rs142623841, ClinGen allele CA4630133.

ClinVar aggregate classification (germline): Benign/Likely benign. Review status: criteria provided, multiple submitters, no conflicts (2 of 4 stars). 9 submissions from 9 submitters: Benign (3); Likely benign (4). 2 of the submissions do not count toward it. Last evaluated 2026-06-01.

Conditions:
Maturity-onset diabetes of the young type 11. Identifiers: Orphanet 552, MedGen C3150618, MONDO:0013242, OMIM 613375.
Systemic lupus erythematosus (SLE). Identifiers: Orphanet 536, MedGen C0024141, MONDO:0007915, OMIM 152700, HP:0002725.

Allele frequency attached by ClinVar (database versions not stated): gnomAD 0.00034 and 0.00040; ESP Exome Variant Server 0.00046; TOPMed 0.00053; 1000 Genomes Project 0.00120; 1000 Genomes Project 30x 0.00141.
gnomAD v4.1: 660 of 1,614,212 alleles (0.041%); highest among the groups gnomAD compares: South Asian, 0.4%; 3 homozygotes.

Submissions (9):

CeGaT Center for Human Genetics Tuebingen
Classification: Likely benign. Last evaluated: 2026-06-01. Review status: criteria provided, single submitter. Criteria: CeGaT Center For Human Genetics Tuebingen Variant Classification Criteria Version 2. Collection method: clinical testing. Allele origin: germline. Affected: yes. Observed: 4 variant alleles.
Comment: BLK: BP4, BP7

Labcorp Genetics (formerly Invitae), Labcorp
Classification: Benign. Last evaluated: 2025-12-31. Review status: criteria provided, single submitter. Criteria: Invitae Variant Classification Sherloc (09022015). Collection method: clinical testing. Allele origin: germline.

GeneDx
Classification: Likely benign. Last evaluated: 2020-10-02. Review status: criteria provided, single submitter. Criteria: GeneDx Variant Classification Process June 2021. Collection method: clinical testing. Allele origin: germline. Affected: yes.
Comment: In-silico analysis, which includes splice predictors and evolutionary conservation, is inconclusive as to whether the variant alters gene splicing. In the absence of RNA/functional studies, the actual effect of this sequence change is unknown.

Genetic Services Laboratory, University of Chicago
Classification: Likely benign. Last evaluated: 2018-05-21. Review status: criteria provided, single submitter. Criteria: ACMG Guidelines, 2015. Collection method: clinical testing. Allele origin: germline. Affected: no.

Illumina Laboratory Services, Illumina
Classification: Benign for Maturity-onset diabetes of the young type 11. Last evaluated: 2018-01-13. Review status: criteria provided, single submitter. Criteria: ICSL Variant Classification Criteria 13 December 2019. Collection method: clinical testing. Allele origin: germline.
Comment: This variant was observed in the ICSL laboratory as part of a predisposition screen in an ostensibly healthy population. It had not been previously curated by ICSL or reported in the Human Gene Mutation Database (HGMD: prior to June 1st, 2018), and was therefore a candidate for classification through an automated scoring system. Utilizing variant allele frequency, disease prevalence and penetrance estimates, and inheritance mode, an automated score was calculated to assess if this variant is too frequent to cause the disease. Based on the score and internal cut-off values, a variant classified as benign is not then subjected to further curation. The score for this variant resulted in a classification of benign for this disease.

Breakthrough Genomics
Classification: Likely benign. Review status: criteria provided, single submitter. Criteria: ACMG Guidelines, 2015. Collection method: not provided. Allele origin: germline. Inheritance: Autosomal dominant inheritance. Affected: yes.

Clinical Genomics, Uppaluri K&H Personalized Medicine Clinic
Classification: Benign for Systemic lupus erythematosus. Review status: criteria provided, single submitter. Criteria: K & H Uppaluri Personalized Medicine Clinic Variant Classification & Assertion Criteria_Updated V.1. Collection method: research. Allele origin: unknown.
Comment: BLK gene is associated with Systemic lupus erythematosus, sjogren's syndrome and other systemic inflammatory conditions. However no sufficient evidence is found to ascertain the role of this particular variant rs142623841, yet.

Clinical Genetics DNA and cytogenetics Diagnostics Lab, Erasmus MC, Erasmus Medical Center
Classification: Likely benign. Review status: no assertion criteria provided. Collection method: clinical testing. Allele origin: germline. Affected: yes. Study: VKGL Data-share Consensus. Not counted in ClinVar's aggregate classification.

Genome Diagnostics Laboratory, University Medical Center Utrecht
Classification: Likely benign. Review status: no assertion criteria provided. Collection method: clinical testing. Allele origin: germline. Affected: yes. Study: VKGL Data-share Consensus. Not counted in ClinVar's aggregate classification.

Literature cited by the submitters: PubMed 32313195 (cited by Clinical Genomics, Uppaluri K&H Personalized Medicine Clinic); PubMed 19667185 (cited by Clinical Genomics, Uppaluri K&H Personalized Medicine Clinic); PubMed 18204098 (cited by Clinical Genomics, Uppaluri K&H Personalized Medicine Clinic); PubMed 24023612 (cited by Clinical Genomics, Uppaluri K&H Personalized Medicine Clinic); PubMed 31670388 (cited by Clinical Genomics, Uppaluri K&H Personalized Medicine Clinic).